The following is an entry in ClinVar:

ClinVar aggregate classification (germline): Conflicting classifications of pathogenicity. Review status: criteria provided, conflicting classifications (1 of 4 stars). 6 submissions from 6 submitters: Uncertain significance (2); Likely benign (3). 1 of the submissions does not count toward it. Last evaluated 2026-01-14.

Conditions:
CRB1-related disorder. Also called: CRB1-related condition; CRB1-related disorders.
Leber congenital amaurosis 8 (LCA8). Identifiers: Orphanet 65, MedGen C3151202, MONDO:0013453, OMIM 613835.
Retinal dystrophy. Also called: Inherited retinal dystrophy. Identifiers: Orphanet 71862, MedGen C0854723, MeSH D058499, MONDO:0019118, HP:0000556.
Retinitis pigmentosa 12 (RP12). Also called: RP WITH OR WITHOUT PRESERVED PARAARTERIOLE RETINAL PIGMENT EPITHELIUM; RETINITIS PIGMENTOSA WITH OR WITHOUT PARAARTERIOLAR PRESERVATION OF RETINAL PIGMENT EPITHELIUM; RP WITH OR WITHOUT PPRPE. Identifiers: Orphanet 791, MedGen C1838647, MONDO:0010818, OMIM 600105.

Allele frequency attached by ClinVar (database versions not stated): TOPMed 0.00011; ESP Exome Variant Server 0.00015; 1000 Genomes Project 30x 0.00016; 1000 Genomes Project 0.00020; gnomAD exomes 0.00025 and 0.00039; gnomAD 0.00027 and 0.00029; ExAC 0.00047.
gnomAD v4.1: 408 of 1,613,214 alleles (0.025%); highest among the groups gnomAD compares: Non-Finnish European, 0.018%; 1 homozygote.

Submissions (6):

Labcorp Genetics (formerly Invitae), Labcorp
Classification: Likely benign for Leber congenital amaurosis 8; Retinitis pigmentosa 12. Last evaluated: 2026-01-14. Review status: criteria provided, single submitter. Criteria: Invitae Variant Classification Sherloc (09022015). Collection method: clinical testing. Allele origin: germline.

PreventionGenetics, part of Exact Sciences
Classification: Likely benign for CRB1-related condition. Last evaluated: 2025-01-22. Review status: criteria provided, single submitter. Criteria: ACMG Guidelines, 2015. Collection method: clinical testing. Allele origin: germline.
Comment: This variant is classified as likely benign based on ACMG/AMP sequence variant interpretation guidelines (Richards et al. 2015 PMID: 25741868, with internal and published modifications).

Blueprint Genetics
Classification: Uncertain significance. Last evaluated: 2024-11-08. Review status: criteria provided, single submitter. Criteria: ACMG Guidelines, 2015. Collection method: clinical testing. Allele origin: germline.

Genome-Nilou Lab
Classification: Likely benign for Leber congenital amaurosis 8. Last evaluated: 2021-05-18. Review status: criteria provided, single submitter. Criteria: ACMG Guidelines, 2015. Collection method: clinical testing. Allele origin: germline. Affected: no.

CeGaT Center for Human Genetics Tuebingen
Classification: Uncertain significance. Last evaluated: 2018-06-01. Review status: criteria provided, single submitter. Criteria: CeGaT Center For Human Genetics Tuebingen Variant Classification Criteria Version 2. Collection method: clinical testing. Allele origin: germline. Affected: yes. Observed: 2 variant alleles.

Institute of Human Genetics, Univ. Regensburg, Univ. Regensburg
Classification: Uncertain significance for Retinal dystrophy. Last evaluated: 2016-01-01. Review status: no assertion criteria provided. Criteria: ACMG Guidelines, 2015. Collection method: clinical testing. Allele origin: germline. Affected: yes. Not counted in ClinVar's aggregate classification.

NM_201253.3(CRB1):c.29T>C (p.Leu10Pro)

Gene: CRB1 (crumbs cell polarity complex component 1; plus strand). Cytogenetic location: 1q31.3.
Variant type: single nucleotide variant.
Coding change: c.29T>C on transcript NM_201253.3 (MANE Select); coding-DNA position 29, T replaced by C.
Protein change: p.Leu10Pro; replaces leucine 10 with proline.
Molecular consequence: missense variant. On other transcripts: non-coding transcript variant (2), intron variant (1).
Genome position (GRCh38, 1-based): chr1:197,268,441, T>C. VCF-style: chr1-197268441-T-C. GRCh37 (hg19) VCF-style: chr1-197237571-T-C.
Other names: c.29T>C (NM_201253.2); c.29T>C, p.Leu10Pro (NM_001193640.2, NM_001257966.2); c.-212-33999T>C (NM_001257965.2); short protein forms L10P.
Identifiers: ClinVar variation 546619 (VCV000546619.55), dbSNP rs201609001, ClinGen allele CA1311549.